The following is an entry in ClinVar:

ClinVar aggregate classification (germline): Uncertain significance (1 of 4 stars; one submission).

Conditions:
Inborn genetic diseases. Identifiers: MedGen C0950123, MeSH D030342.

Allele frequency attached by ClinVar (database versions not stated): TOPMed below 0.00001; ExAC 0.00001; gnomAD 0.00001; gnomAD exomes 0.00001.
gnomAD v4.1: 10 of 1,613,384 alleles (0.00062%); highest among the groups gnomAD compares: Non-Finnish European, 0.00085%; no homozygotes.

Submission:

Ambry Genetics
Classification: Uncertain significance for Inborn genetic diseases. Last evaluated: 2022-07-19. Review status: criteria provided, single submitter. Criteria: Ambry Variant Classification Scheme 2023. Collection method: clinical testing. Allele origin: germline.
Comment: The c.10393+6T>C intronic alteration consists of a T to C substitution nucleotides after coding exon 53 in the LRP2 gene. Based on insufficient or conflicting evidence, the clinical significance of this alteration remains unclear.

NM_004525.3(LRP2):c.10393+6T>C

Gene: LRP2 (LDL receptor related protein 2; minus strand). Cytogenetic location: 2q31.1.
Variant type: single nucleotide variant.
Coding change: c.10393+6T>C on transcript NM_004525.3 (MANE Select); 6 bases into the intron after coding-DNA position 10393, T replaced by C.
Molecular consequence: intron variant.
Genome position (GRCh38, 1-based): chr2:169,177,797, A>G on the plus strand (T>C on the coding strand, the complement: LRP2 is on the minus strand). VCF-style: chr2-169177797-A-G. GRCh37 (hg19) VCF-style: chr2-170034307-A-G.
Identifiers: ClinVar variation 2295857 (VCV002295857.2), dbSNP rs758184279, ClinGen allele CA1953379.